The following is an entry in ClinVar:

NM_005476.7(GNE):c.1858G>A (p.Glu620Lys)

Gene: GNE (glucosamine (UDP-N-acetyl)-2-epimerase/N-acetylmannosamine kinase; minus strand). Cytogenetic location: 9p13.3.
Variant type: single nucleotide variant.
Coding change: c.1858G>A on transcript NM_005476.7 (MANE Select); coding-DNA position 1858, G replaced by A.
Protein change: p.Glu620Lys; replaces glutamic acid 620 with lysine.
Molecular consequence: missense variant.
Genome position (GRCh38, 1-based): chr9:36,218,258, C>T on the plus strand (G>A on the coding strand, the complement: GNE is on the minus strand). VCF-style: chr9-36218258-C-T. GRCh37 (hg19) VCF-style: chr9-36218255-C-T.
Other names: c.1951G>A, p.Glu651Lys (NM_001128227.3); c.1636G>A, p.Glu546Lys (NM_001190383.3); c.1528G>A, p.Glu510Lys (NM_001190384.3); c.1681G>A, p.Glu561Lys (NM_001190388.2, NM_001374798.1); c.1705G>A, p.Glu569Lys (NM_001374797.1); short protein forms E510K, E546K, E561K, E569K, E620K, E651K.
Identifiers: ClinVar variation 3749915 (VCV003749915.2).

ClinVar aggregate classification (germline): Uncertain significance (1 of 4 stars; one submission).

Conditions:
Sialuria. Also called: Sialic Acid Storage Disease; SIALURIA, FRENCH TYPE. Identifiers: Orphanet 3166, MedGen C0342853, MONDO:0010028, OMIM 269921.
GNE myopathy (NM). Also called: INCLUSION BODY MYOPATHY 2, AUTOSOMAL RECESSIVE; INCLUSION BODY MYOPATHY, HEREDITARY, AUTOSOMAL RECESSIVE; MYOPATHY, DISTAL, WITH OR WITHOUT RIMMED VACUOLES; IBM 2; Inclusion body myopathy autosomal recessive; Inclusion body myopathy quadriceps sparing. Identifiers: Orphanet 602, MedGen C1853926, MONDO:0011603, OMIM 605820.

Submission:

Labcorp Genetics (formerly Invitae), Labcorp
Classification: Uncertain significance for Sialuria; GNE myopathy. Last evaluated: 2024-03-27. Review status: criteria provided, single submitter. Criteria: Invitae Variant Classification Sherloc (09022015). Collection method: clinical testing. Allele origin: germline.
Comment: This sequence change replaces glutamic acid, which is acidic and polar, with lysine, which is basic and polar, at codon 651 of the GNE protein (p.Glu651Lys). This variant is not present in population databases (gnomAD no frequency). This variant has not been reported in the literature in individuals affected with GNE-related conditions. Advanced modeling of protein sequence and biophysical properties (such as structural, functional, and spatial information, amino acid conservation, physicochemical variation, residue mobility, and thermodynamic stability) has been performed at Invitae for this missense variant, however the output from this modeling did not meet the statistical confidence thresholds required to predict the impact of this variant on GNE protein function. In summary, the available evidence is currently insufficient to determine the role of this variant in disease. Therefore, it has been classified as a Variant of Uncertain Significance.